The following is an entry in ClinVar:

NM_000051.4(ATM):c.5046T>A (p.Asp1682Glu)

Gene: ATM (ATM serine/threonine kinase; plus strand). Cytogenetic location: 11q22.3.
Variant type: single nucleotide variant.
Coding change: c.5046T>A on transcript NM_000051.4 (MANE Select); coding-DNA position 5046, T replaced by A.
Protein change: p.Asp1682Glu; replaces aspartic acid 1682 with glutamic acid.
Molecular consequence: missense variant.
Genome position (GRCh38, 1-based): chr11:108,299,754, T>A. VCF-style: chr11-108299754-T-A. GRCh37 (hg19) VCF-style: chr11-108170481-T-A.
Other names: c.5046T>A, p.Asp1682Glu (NM_001351834.2); short protein forms D1682E.
Identifiers: ClinVar variation 4168991 (VCV004168991.1).

ClinVar aggregate classification (germline): Uncertain significance (1 of 4 stars; one submission).

Conditions:
Hereditary cancer-predisposing syndrome. Also called: Neoplastic Syndromes, Hereditary; Tumor predisposition; Hereditary Cancer Syndrome; Hereditary neoplastic syndrome. Identifiers: Orphanet 140162, MedGen C0027672, MeSH D009386, MONDO:0015356.

Submission:

Ambry Genetics
Classification: Uncertain significance for Hereditary cancer-predisposing syndrome. Last evaluated: 2025-06-29. Review status: criteria provided, single submitter. Criteria: Ambry Variant Classification Scheme 2023. Collection method: clinical testing. Allele origin: germline.
Comment: The p.D1682E variant (also known as c.5046T>A), located in coding exon 33 of the ATM gene, results from a T to A substitution at nucleotide position 5046. The aspartic acid at codon 1682 is replaced by glutamic acid, an amino acid with highly similar properties. This amino acid position is conserved. In addition, this alteration is predicted to be tolerated by in silico analysis. Based on the available evidence, the clinical significance of this variant remains unclear.